The following is an entry in ClinVar:

NM_001283009.2(RTEL1):c.1367G>A (p.Trp456Ter)

Genes: RTEL1 (regulator of telomere elongation helicase 1; plus strand), RTEL1-TNFRSF6B (RTEL1-TNFRSF6B readthrough (NMD candidate); plus strand). Cytogenetic location: 20q13.33.
Variant type: single nucleotide variant.
Coding change: c.1367G>A on transcript NM_001283009.2 (MANE Select); coding-DNA position 1367, G replaced by A.
Protein change: p.Trp456Ter; replaces tryptophan 456 with a stop codon.
Molecular consequence: nonsense. On other transcripts: non-coding transcript variant (1).
Genome position (GRCh38, 1-based): chr20:63,687,656, G>A. VCF-style: chr20-63687656-G-A. GRCh37 (hg19) VCF-style: chr20-62319009-G-A.
Other names: c.698G>A, p.Trp233Ter (NM_001283010.1); c.1367G>A, p.Trp456Ter (NM_016434.4); c.1439G>A, p.Trp480Ter (NM_032957.5); short protein forms W480*, W233*, W456*.
Identifiers: ClinVar variation 2023349 (VCV002023349.4), dbSNP rs2517111998, ClinGen allele CA409676179.

ClinVar aggregate classification (germline): Pathogenic (1 of 4 stars; one submission).

Conditions:
Dyskeratosis congenita, autosomal recessive 5 (DKCB5). Identifiers: MedGen C3554656, MONDO:0014076, OMIM 615190.
Pulmonary fibrosis and/or bone marrow failure, Telomere-related, 3. Also called: PULMONARY FIBROSIS AND/OR BONE MARROW FAILURE SYNDROME, TELOMERE-RELATED, 3. Identifiers: Orphanet 2032, MedGen C4225346, MONDO:0014613, OMIM 616373.

Submission:

Labcorp Genetics (formerly Invitae), Labcorp
Classification: Pathogenic for Dyskeratosis congenita, autosomal recessive 5; Pulmonary fibrosis and/or bone marrow failure, Telomere-related, 3. Last evaluated: 2022-08-10. Review status: criteria provided, single submitter. Criteria: Invitae Variant Classification Sherloc (09022015). Collection method: clinical testing. Allele origin: germline.
Comment: For these reasons, this variant has been classified as Pathogenic. This variant has not been reported in the literature in individuals affected with RTEL1-related conditions. This variant is not present in population databases (gnomAD no frequency). This sequence change creates a premature translational stop signal (p.Trp456*) in the RTEL1 gene. It is expected to result in an absent or disrupted protein product. Loss-of-function variants in RTEL1 are known to be pathogenic (PMID: 23453664, 23959892, 25607374).

Literature cited by the submitters: PubMed 23453664; PubMed 23959892; PubMed 25607374.